The following is an entry in ClinVar:

NM_199420.4(POLQ):c.2581A>G (p.Thr861Ala)

Gene: POLQ (DNA polymerase theta; minus strand). Cytogenetic location: 3q13.33.
Variant type: single nucleotide variant.
Coding change: c.2581A>G on transcript NM_199420.4 (MANE Select); coding-DNA position 2581, A replaced by G.
Protein change: p.Thr861Ala; replaces threonine 861 with alanine.
Molecular consequence: missense variant.
Genome position (GRCh38, 1-based): chr3:121,490,350, T>C on the plus strand (A>G on the coding strand, the complement: POLQ is on the minus strand). VCF-style: chr3-121490350-T-C. GRCh37 (hg19) VCF-style: chr3-121209197-T-C.
Other names: short protein forms T861A.
Identifiers: ClinVar variation 3422403 (VCV003422403.1).

ClinVar aggregate classification (germline): Uncertain significance (1 of 4 stars; one submission).

gnomAD v4.1: 1 of 1,614,128 alleles (0.000062%); highest among the groups gnomAD compares: Admixed American, 0.0017%; no homozygotes.

Submission:

Ambry Genetics
Classification: Uncertain significance. Last evaluated: 2024-10-18. Review status: criteria provided, single submitter. Criteria: Ambry Variant Classification Scheme 2023. Collection method: clinical testing. Allele origin: germline.
Comment: The p.T861A variant (also known as c.2581A>G), located in coding exon 16 of the POLQ gene, results from an A to G substitution at nucleotide position 2581. The threonine at codon 861 is replaced by alanine, an amino acid with similar properties. This amino acid position is conserved. In addition, this alteration is predicted to be tolerated by in silico analysis. Based on the available evidence, the clinical significance of this variant remains unclear.